The following is an entry in ClinVar:

NM_001127222.2(CACNA1A):c.3461C>G (p.Thr1154Ser)

Gene: CACNA1A (calcium voltage-gated channel subunit alpha1 A; minus strand). Cytogenetic location: 19p13.13.
Variant type: single nucleotide variant.
Coding change: c.3461C>G on transcript NM_001127222.2 (MANE Select); coding-DNA position 3461, C replaced by G.
Protein change: p.Thr1154Ser; replaces threonine 1154 with serine.
Molecular consequence: missense variant.
Genome position (GRCh38, 1-based): chr19:13,286,595, G>C on the plus strand (C>G on the coding strand, the complement: CACNA1A is on the minus strand). VCF-style: chr19-13286595-G-C. GRCh37 (hg19) VCF-style: chr19-13397409-G-C.
Other names: c.3473C>G, p.Thr1158Ser (NM_000068.4, NM_023035.3); c.3464C>G, p.Thr1155Ser (NM_001127221.2, NM_001174080.2); short protein forms T1154S, T1155S, T1158S.
Identifiers: ClinVar variation 2936127 (VCV002936127.4), dbSNP rs2512856357, ClinGen allele CA404341323.
Genomic context (GRCh38, chr19:13,286,595, plus strand): 5'-CAGGCTGGGGGGATGTCCACTGTGGTGTGGTCGGGTTTCCTGGCAGTCTTAGCTGAATTG[G>C]TCTGGGTGCCGCTGGGGTTGGTGACGATAAGGCTATTCTCGGGGGTCTTGGGGGGGCCGG-3'
Protein context (NP_001120694.1, residues 1144-1164): LIVTNPSGTQ[Thr1154Ser]NSAKTARKPD

ClinVar aggregate classification (germline): Uncertain significance. Review status: criteria provided, multiple submitters, no conflicts (2 of 4 stars). 2 submissions from 2 submitters: Uncertain significance (2). Last evaluated 2025-11-20.

Conditions:
Episodic ataxia type 2 (EA2). Also called: CEREBELLAR ATAXIA, PAROXYSMAL, ACETAZOLAMIDE-RESPONSIVE; CEREBELLOPATHY, HEREDITARY PAROXYSMAL; EPISODIC ATAXIA, NYSTAGMUS-ASSOCIATED; ACETAZOLAMIDE-RESPONSIVE HEREDITARY PAROXYSMAL CEREBELLAR ATAXIA; ATAXIA, EPISODIC, WITH NYSTAGMUS; ATAXIA, FAMILIAL PAROXYSMAL. Identifiers: Orphanet 97, MedGen C1720416, MONDO:0007163, OMIM 108500.
Developmental and epileptic encephalopathy, 42 (DEE42A). Also called: Epileptic encephalopathy, early infantile, 42; DEVELOPMENTAL AND EPILEPTIC ENCEPHALOPATHY 42A; EPILEPTIC ENCEPHALOPATHY, EARLY INFANTILE, 42A. Identifiers: MedGen C4310716, MONDO:0014917, OMIM 617106.
Inborn genetic diseases. Identifiers: MedGen C0950123, MeSH D030342.

Allele frequency attached by ClinVar (database versions not stated): gnomAD exomes 0.00001.
gnomAD v4.1: 7 of 1,546,554 alleles (0.00045%); highest among the groups gnomAD compares: Non-Finnish European, 0.00061%; no homozygotes.

Submissions (2):

Ambry Genetics
Classification: Uncertain significance for Inborn genetic diseases. Last evaluated: 2025-11-20. Review status: criteria provided, single submitter. Criteria: Ambry Variant Classification Scheme 2023. Collection method: clinical testing. Allele origin: germline.

Labcorp Genetics (formerly Invitae), Labcorp
Classification: Uncertain significance for Developmental and epileptic encephalopathy, 42; Episodic ataxia type 2. Last evaluated: 2023-05-30. Review status: criteria provided, single submitter. Criteria: Invitae Variant Classification Sherloc (09022015). Collection method: clinical testing. Allele origin: germline.
Comment: This variant is not present in population databases (gnomAD no frequency). This variant has not been reported in the literature in individuals affected with CACNA1A-related conditions. This sequence change replaces threonine, which is neutral and polar, with serine, which is neutral and polar, at codon 1155 of the CACNA1A protein (p.Thr1155Ser). Advanced modeling of protein sequence and biophysical properties (such as structural, functional, and spatial information, amino acid conservation, physicochemical variation, residue mobility, and thermodynamic stability) performed at Invitae indicates that this missense variant is not expected to disrupt CACNA1A protein function. In summary, the available evidence is currently insufficient to determine the role of this variant in disease. Therefore, it has been classified as a Variant of Uncertain Significance.